The following is an entry in ClinVar:

NM_020937.4(FANCM):c.2477C>T (p.Ser826Leu)

Gene: FANCM (FA complementation group M; plus strand). Cytogenetic location: 14q21.2.
Variant type: single nucleotide variant.
Coding change: c.2477C>T on transcript NM_020937.4 (MANE Select); coding-DNA position 2477, C replaced by T.
Protein change: p.Ser826Leu; replaces serine 826 with leucine.
Molecular consequence: missense variant.
Genome position (GRCh38, 1-based): chr14:45,175,231, C>T. VCF-style: chr14-45175231-C-T. GRCh37 (hg19) VCF-style: chr14-45644434-C-T.
Other names: c.2399C>T, p.Ser800Leu (NM_001308133.2); short protein forms S800L, S826L.
Identifiers: ClinVar variation 3848668 (VCV003848668.1).

ClinVar aggregate classification (germline): Uncertain significance (1 of 4 stars; one submission).

Conditions:
Inborn genetic diseases. Identifiers: MedGen C0950123, MeSH D030342.

Submission:

Ambry Genetics
Classification: Uncertain significance for Inborn genetic diseases. Last evaluated: 2025-01-29. Review status: criteria provided, single submitter. Criteria: Ambry Variant Classification Scheme 2023. Collection method: clinical testing. Allele origin: germline.
Comment: The p.S826L variant (also known as c.2477C>T), located in coding exon 14 of the FANCM gene, results from a C to T substitution at nucleotide position 2477. The serine at codon 826 is replaced by leucine, an amino acid with dissimilar properties. This amino acid position is conserved. In addition, this alteration is predicted to be tolerated by in silico analysis. Based on the available evidence, the clinical significance of this variant remains unclear.